The following is an entry in ClinVar:

NM_000238.4(KCNH2):c.1291T>C (p.Phe431Leu)

Gene: KCNH2 (potassium voltage-gated channel subfamily H member 2; minus strand). Cytogenetic location: 7q36.1.
Variant type: single nucleotide variant.
Coding change: c.1291T>C on transcript NM_000238.4 (MANE Select); coding-DNA position 1291, T replaced by C.
Protein change: p.Phe431Leu; replaces phenylalanine 431 with leucine.
Molecular consequence: missense variant.
Genome position (GRCh38, 1-based): chr7:150,952,691, A>G on the plus strand (T>C on the coding strand, the complement: KCNH2 is on the minus strand). VCF-style: chr7-150952691-A-G. GRCh37 (hg19) VCF-style: chr7-150649779-A-G.
Other names: c.271T>C, p.Phe91Leu (NM_001204798.2, NM_172057.3); c.1003T>C, p.Phe335Leu (NM_001406753.1, NM_001406756.1); c.1114T>C, p.Phe372Leu (NM_001406755.1); c.991T>C, p.Phe331Leu (NM_001406757.1); c.1291T>C, p.Phe431Leu (NM_172056.3); short protein forms F431L, F91L, F331L, F335L, F372L.
Identifiers: ClinVar variation 519399 (VCV000519399.15), dbSNP rs1554426244, ClinGen allele CA369860054.

ClinVar aggregate classification (germline): Pathogenic/Likely pathogenic. Review status: criteria provided, multiple submitters, no conflicts (2 of 4 stars). 2 submissions from 2 submitters: Pathogenic (1); Likely pathogenic (1). Last evaluated 2025-06-14.

Conditions:
Cardiovascular phenotype. Identifiers: MedGen CN230736.
Long QT syndrome (LQTS). Identifiers: MedGen C0023976, MeSH D008133, MONDO:0002442. Disease mechanism: loss of function. Inheritance: Various modes of inheritance.

Submissions (2):

Labcorp Genetics (formerly Invitae), Labcorp
Classification: Likely pathogenic for Long QT syndrome. Last evaluated: 2025-06-14. Review status: criteria provided, single submitter. Criteria: Invitae Variant Classification Sherloc (09022015). Collection method: clinical testing. Allele origin: germline.
Comment: This sequence change replaces phenylalanine, which is neutral and non-polar, with leucine, which is neutral and non-polar, at codon 431 of the KCNH2 protein (p.Phe431Leu). This variant is not present in population databases (gnomAD no frequency). This missense change has been observed in individuals with clinical features of long QT Syndrome (PMID: 19716085; internal data). It has also been observed to segregate with disease in related individuals. ClinVar contains an entry for this variant (Variation ID: 519399). An algorithm developed to predict the effect of missense changes on protein structure and function (PolyPhen-2) suggests that this variant is likely to be disruptive. In summary, the currently available evidence indicates that the variant is pathogenic, but additional data are needed to prove that conclusively. Therefore, this variant has been classified as Likely Pathogenic.

Ambry Genetics
Classification: Pathogenic for Cardiovascular phenotype. Last evaluated: 2021-11-10. Review status: criteria provided, single submitter. Criteria: Ambry Variant Classification Scheme 2023. Collection method: clinical testing. Allele origin: germline.
Comment: The p.F431L pathogenic mutation (also known as c.1291T>C), located in coding exon 6 of the KCNH2 gene, results from a T to C substitution at nucleotide position 1291. The phenylalanine at codon 431 is replaced by leucine, an amino acid with highly similar properties, and is located in the S1/S2 transmembrane-spanning region of the protein. In addition, a different alteration located at the same position, resulting in the same protein change, c.1293C>A (p.F431L), has been reported in a long QT syndrome genetic testing cohort, as well as in an individual with a clinical diagnosis of long QT syndrome, segregating in multiple affected family members (Kapplinger JD et al. Heart Rhythm, 2009 Sep;6:1297-303; GeneDx pers. comm.). This variant is considered to be rare based on population cohorts in the Genome Aggregation Database (gnomAD). In addition, this alteration is predicted to be deleterious by in silico analysis. Based on the supporting evidence, this alteration is interpreted as a disease-causing mutation.

Literature cited by the submitters: PubMed 19716085 (cited by Labcorp Genetics (formerly Invitae), Labcorp and Ambry Genetics).